The following is an entry in ClinVar:

ClinVar aggregate classification (germline): Uncertain significance (1 of 4 stars; one submission).

Conditions:
Transcobalamin II deficiency (TCN2D). Also called: TC II DEFICIENCY; TCN2 DEFICIENCY; Transcolabamin II deficiency. Identifiers: Orphanet 859, MedGen C0342701, MONDO:0010149, OMIM 275350.

Submission:

Labcorp Genetics (formerly Invitae), Labcorp
Classification: Uncertain significance for Transcobalamin II deficiency. Last evaluated: 2022-10-09. Review status: criteria provided, single submitter. Criteria: Invitae Variant Classification Sherloc (09022015). Collection method: clinical testing. Allele origin: germline.
Comment: Algorithms developed to predict the effect of sequence changes on RNA splicing suggest that this variant may disrupt the consensus splice site. This variant has not been reported in the literature in individuals affected with TCN2-related conditions. This variant is not present in population databases (gnomAD no frequency). This sequence change affects codon 118 of the TCN2 mRNA. It is a 'silent' change, meaning that it does not change the encoded amino acid sequence of the TCN2 protein. In summary, the available evidence is currently insufficient to determine the role of this variant in disease. Therefore, it has been classified as a Variant of Uncertain Significance.

NM_000355.4(TCN2):c.354T>C (p.Phe118=)

Gene: TCN2 (transcobalamin 2; plus strand). Cytogenetic location: 22q12.2.
Variant type: single nucleotide variant.
Coding change: c.354T>C on transcript NM_000355.4 (MANE Select); coding-DNA position 354, T replaced by C.
Protein change: p.Phe118=; no amino-acid change (phenylalanine 118 retained).
Molecular consequence: synonymous variant. On other transcripts: intron variant (1).
Genome position (GRCh38, 1-based): chr22:30,612,969, T>C. VCF-style: chr22-30612969-T-C. GRCh37 (hg19) VCF-style: chr22-31008956-T-C.
Other names: c.346+8T>C (NM_001184726.2).
Identifiers: ClinVar variation 2808123 (VCV002808123.3), dbSNP rs2517903583, ClinGen allele CA514220365.